The following is an entry in ClinVar:

NM_033380.3(COL4A5):c.1780-1G>T

Gene: COL4A5 (collagen type IV alpha 5 chain; plus strand). Cytogenetic location: Xq22.3.
Variant type: single nucleotide variant.
Coding change: c.1780-1G>T on transcript NM_033380.3 (MANE Select); the canonical splice acceptor site of the intron before coding-DNA position 1780, G replaced by T.
Molecular consequence: splice acceptor variant.
Genome position (GRCh38, 1-based): chrX:108,598,701, G>T. VCF-style: chrX-108598701-G-T. GRCh37 (hg19) VCF-style: chrX-107841931-G-T.
Other names: c.1780-1G>T (NM_000495.5).
Identifiers: ClinVar variation 222057 (VCV000222057.13), dbSNP rs104886338, ClinGen allele CA065270.
Genomic context (GRCh38, chrX:108,598,701, plus strand): 5'-TACCAACCTACAGATAGTTGTTGTATCTATATGTTTCTGTATTAAACTTTTCCCTTTTTA[G>T]GGTGGAATTACTTTTAAGGGTGAAAGAGGTCCCCCTGGGAACCCAGGTTTACCAGGCCTC-3'

ClinVar aggregate classification (germline): Pathogenic. Review status: criteria provided, multiple submitters, no conflicts (2 of 4 stars). 3 submissions from 3 submitters: Pathogenic (3). Last evaluated 2023-05-23.

Conditions:
COL4A5-related disorder. Also called: COL4A5-related condition.
X-linked Alport syndrome (ATS1). Also called: COL4A5-Related Nephropathy; NEPHROPATHY AND DEAFNESS, X-LINKED. Identifiers: Orphanet 63, Orphanet 88917, MedGen C4746986, MONDO:0010520, OMIM 301050.

Submissions (4):

PreventionGenetics, part of Exact Sciences
Classification: Pathogenic for COL4A5-related condition. Last evaluated: 2023-05-23. Review status: criteria provided, single submitter. Criteria: ACMG Guidelines, 2015. Collection method: clinical testing. Allele origin: germline.
Comment: The COL4A5 c.1780-1G>T variant is predicted to disrupt the AG splice acceptor site and interfere with normal splicing. This variant has been observed to segregate in three female family members with hematuria and/or thin basement membrane nephropathy (Kovács et al 2016. PubMed ID: 26934356). This variant has not been reported in a large population database, indicating this variant is rare. Variants that disrupt the consensus splice acceptor site in COL4A5 are expected to be pathogenic. This variant is interpreted as pathogenic.

Labcorp Genetics (formerly Invitae), Labcorp
Classification: Pathogenic. Last evaluated: 2020-04-29. Review status: criteria provided, single submitter. Criteria: Invitae Variant Classification Sherloc (09022015). Collection method: clinical testing. Allele origin: germline.
Comment: For these reasons, this variant has been classified as Pathogenic. Donor and acceptor splice site variants typically lead to a loss of protein function (PMID: 16199547), and loss-of-function variants in COL4A5 are known to be pathogenic (PMID: 9195222, 10752524, 14514738, 24854265, 26809805). Algorithms developed to predict the effect of sequence changes on RNA splicing suggest that this variant may disrupt the consensus splice site, but this prediction has not been confirmed by published transcriptional studies. This variant has been observed in individual(s) with Alport syndrome (PMID: 26934356, 16941480, Invitae). It has also been observed to segregate with disease in related individuals. ClinVar contains an entry for this variant (Variation ID: 222057). This variant is not present in population databases (ExAC no frequency). This sequence change affects an acceptor splice site in intron 24 of the COL4A5 gene. It is expected to disrupt RNA splicing and likely results in an absent or disrupted protein product.

Genetic Diagnostic Laboratory, University of Szeged
Classification: Pathogenic for X-linked Alport syndrome. Last evaluated: 2016-02-02. Review status: criteria provided, single submitter. Criteria: Genetic Diagnostic Assertion Criteria ver.1 Jan.2016. Collection method: clinical testing. Allele origin: inherited. Affected: yes. Observed: 3 variant alleles, 1 hemizygote.

Dr. Peter K. Rogan Lab, Western University
No classification provided (evidence only). Condition: Thyroid cancer, nonmedullary, 1. Review status: no classification provided. Collection method: in vitro. Allele origin: not applicable. Functional consequence: retained intron. Not counted in ClinVar's aggregate classification.

Literature cited by the submitters: PubMed 16199547 (cited by Labcorp Genetics (formerly Invitae), Labcorp); PubMed 9195222 (cited by Labcorp Genetics (formerly Invitae), Labcorp); PubMed 10752524 (cited by Labcorp Genetics (formerly Invitae), Labcorp); PubMed 14514738 (cited by Labcorp Genetics (formerly Invitae), Labcorp); PubMed 24854265 (cited by Labcorp Genetics (formerly Invitae), Labcorp); PubMed 26809805 (cited by Labcorp Genetics (formerly Invitae), Labcorp); PubMed 26934356 (cited by Labcorp Genetics (formerly Invitae), Labcorp); PubMed 16941480 (cited by Labcorp Genetics (formerly Invitae), Labcorp).